The following is an entry in ClinVar:

NM_001330.5(CTF1):c.589C>A (p.Pro197Thr)

Genes: CTF1 (cardiotrophin 1; plus strand), LOC130058878 (ATAC-STARR-seq lymphoblastoid silent region 7400; plus strand). Cytogenetic location: 16p11.2.
Variant type: single nucleotide variant.
Coding change: c.589C>A on transcript NM_001330.5 (MANE Select); coding-DNA position 589, C replaced by A.
Protein change: p.Pro197Thr; replaces proline 197 with threonine.
Molecular consequence: missense variant. On other transcripts: non-coding transcript variant (1).
Genome position (GRCh38, 1-based): chr16:30,902,522, C>A. VCF-style: chr16-30902522-C-A. GRCh37 (hg19) VCF-style: chr16-30913843-C-A.
Other names: c.586C>A, p.Pro196Thr (NM_001142544.3); short protein forms P197T, P196T.
Identifiers: ClinVar variation 478120 (VCV000478120.9), dbSNP rs1034195402, ClinGen allele CA280531399.
Genomic context (GRCh38, chr16:30,902,522, plus strand): 5'-GTTTGCGGCCTCTACCGCGAGTGGCTGAGCCGCACCGAGGGCGACCTGGGCCAGCTGCTG[C>A]CCGGGGGCTCGGCCTGAGCGCCGCGGGGCAGCTCGCCCCGCCTCCTCCCGCTGGGTTCCG-3'
Protein context (NP_001321.1, residues 187-201): RTEGDLGQLL[Pro197Thr]GGSA

ClinVar aggregate classification (germline): Uncertain significance (1 of 4 stars; one submission).

Allele frequency attached by ClinVar (database versions not stated): TOPMed 0.00001.

Submission:

Labcorp Genetics (formerly Invitae), Labcorp
Classification: Uncertain significance. Last evaluated: 2017-06-29. Review status: criteria provided, single submitter. Criteria: Invitae Variant Classification Sherloc (09022015). Collection method: clinical testing. Allele origin: germline.
Comment: In summary, the available evidence is currently insufficient to determine the role of this variant in disease. Therefore, it has been classified as a Variant of Uncertain Significance. Algorithms developed to predict the effect of missense changes on protein structure and function do not agree on the potential impact of this missense change (SIFT: "Deleterious"; PolyPhen-2: "Possibly Damaging"; Align-GVGD: "Class C0"). This variant has not been reported in the literature in individuals with CTF1-related disease. While this variant is not present in population databases, the frequency information is unreliable, as metrics indicate poor data quality at this position in the ExAC database. This sequence change replaces proline with threonine at codon 197 of the CTF1 protein (p.Pro197Thr). The proline residue is moderately conserved and there is a small physicochemical difference between proline and threonine.